The following is an entry in ClinVar:

ClinVar aggregate classification (germline): Conflicting classifications of pathogenicity. Review status: criteria provided, conflicting classifications (1 of 4 stars). 3 submissions from 3 submitters: Uncertain significance (2); Likely benign (1). Last evaluated 2025-05-19.

Conditions:
Inborn genetic diseases. Identifiers: MedGen C0950123, MeSH D030342.

Allele frequency attached by ClinVar (database versions not stated): gnomAD 0.00003; gnomAD exomes 0.00003; TOPMed 0.00006; ExAC 0.00018; 1000 Genomes Project 30x 0.00031.
gnomAD v4.1: 45 of 1,614,178 alleles (0.0028%); highest among the groups gnomAD compares: East Asian, 0.089%; no homozygotes.

Submissions (3):

GeneDx
Classification: Uncertain significance. Last evaluated: 2025-05-19. Review status: criteria provided, single submitter. Criteria: GeneDx Variant Classification Process June 2021. Collection method: clinical testing. Allele origin: germline. Affected: yes.
Comment: In silico analysis suggests that this missense variant does not alter protein structure/function; Has not been previously published as pathogenic or benign to our knowledge

Labcorp Genetics (formerly Invitae), Labcorp
Classification: Uncertain significance. Last evaluated: 2025-03-10. Review status: criteria provided, single submitter. Criteria: Invitae Variant Classification Sherloc (09022015). Collection method: clinical testing. Allele origin: germline.
Comment: This sequence change replaces leucine, which is neutral and non-polar, with proline, which is neutral and non-polar, at codon 3183 of the DNAH9 protein (p.Leu3183Pro). This variant is present in population databases (rs761341705, gnomAD 0.2%). This variant has not been reported in the literature in individuals affected with DNAH9-related conditions. ClinVar contains an entry for this variant (Variation ID: 2178269). Invitae Evidence Modeling of protein sequence and biophysical properties (such as structural, functional, and spatial information, amino acid conservation, physicochemical variation, residue mobility, and thermodynamic stability) indicates that this missense variant is not expected to disrupt DNAH9 protein function with a negative predictive value of 80%. In summary, the available evidence is currently insufficient to determine the role of this variant in disease. Therefore, it has been classified as a Variant of Uncertain Significance.

Ambry Genetics
Classification: Likely benign for Inborn genetic diseases. Last evaluated: 2023-10-13. Review status: criteria provided, single submitter. Criteria: Ambry Variant Classification Scheme 2023. Collection method: clinical testing. Allele origin: germline.

NM_001372.4(DNAH9):c.9548T>C (p.Leu3183Pro)

Gene: DNAH9 (dynein axonemal heavy chain 9; plus strand). Cytogenetic location: 17p12.
Variant type: single nucleotide variant.
Coding change: c.9548T>C on transcript NM_001372.4 (MANE Select); coding-DNA position 9548, T replaced by C.
Protein change: p.Leu3183Pro; replaces leucine 3183 with proline.
Molecular consequence: missense variant.
Genome position (GRCh38, 1-based): chr17:11,854,043, T>C. VCF-style: chr17-11854043-T-C. GRCh37 (hg19) VCF-style: chr17-11757360-T-C.
Other names: c.9548T>C (NM_001372.3); short protein forms L3183P.
Identifiers: ClinVar variation 2178269 (VCV002178269.5), dbSNP rs761341705, ClinGen allele CA8397258.